The following is an entry in ClinVar:

ClinVar aggregate classification (germline): Pathogenic/Likely pathogenic. Review status: criteria provided, multiple submitters, no conflicts (2 of 4 stars). 2 submissions from 2 submitters: Pathogenic (1); Likely pathogenic (1). Last evaluated 2025-09-02.

Conditions:
Deficiency of aromatic-L-amino-acid decarboxylase. Also called: AADC DEFICIENCY; DDC DEFICIENCY; DOPA DECARBOXYLASE DEFICIENCY; Aromatic L-Amino Acid Decarboxylase Deficiency; Aromatic amino acid decarboxylase deficiency. Identifiers: Orphanet 35708, MedGen C1291564, MONDO:0012084, OMIM 608643.

gnomAD v4.1: 1 of 1,614,076 alleles (0.000062%); no homozygotes.

Submissions (2):

Labcorp Genetics (formerly Invitae), Labcorp
Classification: Pathogenic for Deficiency of aromatic-L-amino-acid decarboxylase. Last evaluated: 2025-09-02. Review status: criteria provided, single submitter. Criteria: Invitae Variant Classification Sherloc (09022015). Collection method: clinical testing. Allele origin: germline.
Comment: This sequence change replaces proline, which is neutral and non-polar, with leucine, which is neutral and non-polar, at codon 81 of the DDC protein (p.Pro81Leu). This variant is not present in population databases (gnomAD no frequency). This missense change has been observed in individuals with clinical features of aromatic L-amino acid decarboxylase (AADC) deficiency (PMID: 32369189, 37348148). ClinVar contains an entry for this variant (Variation ID: 1677221). Invitae Evidence Modeling of protein sequence and biophysical properties (such as structural, functional, and spatial information, amino acid conservation, physicochemical variation, residue mobility, and thermodynamic stability) has been performed for this missense variant. However, the output from this modeling did not meet the statistical confidence thresholds required to predict the impact of this variant on DDC protein function. Experimental studies have shown that this missense change affects DDC function (PMID: 24865461). For these reasons, this variant has been classified as Pathogenic.

Women's Health and Genetics/Laboratory Corporation of America, LabCorp
Classification: Likely pathogenic for Deficiency of aromatic-L-amino-acid decarboxylase. Last evaluated: 2022-03-30. Review status: criteria provided, single submitter. Criteria: LabCorp Variant Classification Summary - May 2015. Collection method: clinical testing. Allele origin: germline.
Comment: Variant summary: DDC c.242C>T (p.Pro81Leu) results in a non-conservative amino acid change in the encoded protein sequence. Four of five in-silico tools predict a damaging effect of the variant on protein function. The variant was absent in 250806 control chromosomes (gnomAD). c.242C>T has been reported in the literature in at least one homozygous individual affected with Deficiency Of Aromatic-L-Amino-Acid Decarboxylase (Pearson_2020). These data indicate that the variant may be associated with disease. Experimental evidence evaluating an impact on protein function demonstrated the variant to cause a high extent of conformational change and increase of the exposure of hydrophobic clusters, ultimately leading to a remarkable decrease of decarboxylase activity compared to the wild-type (Montioli_2014). No clinical diagnostic laboratories have submitted clinical-significance assessments for this variant to ClinVar after 2014. Based on the evidence outlined above, the variant was classified as likely pathogenic.

Literature cited by the submitters: PubMed 32369189 (cited by Labcorp Genetics (formerly Invitae), Labcorp and Women's Health and Genetics/Laboratory Corporation of America, LabCorp); PubMed 37348148 (cited by Labcorp Genetics (formerly Invitae), Labcorp); PubMed 24865461 (cited by Labcorp Genetics (formerly Invitae), Labcorp and Women's Health and Genetics/Laboratory Corporation of America, LabCorp).

NM_001082971.2(DDC):c.242C>T (p.Pro81Leu)

Genes: DDC (dopa decarboxylase; minus strand), DDC-AS1 (DDC antisense RNA 1; plus strand). Cytogenetic location: 7p12.1.
Variant type: single nucleotide variant.
Coding change: c.242C>T on transcript NM_001082971.2 (MANE Select); coding-DNA position 242, C replaced by T.
Protein change: p.Pro81Leu; replaces proline 81 with leucine.
Molecular consequence: missense variant. On other transcripts: non-coding transcript variant (1), intron variant (2).
Genome position (GRCh38, 1-based): chr7:50,539,988, G>A on the plus strand (C>T on the coding strand, the complement: DDC is on the minus strand). VCF-style: chr7-50539988-G-A. GRCh37 (hg19) VCF-style: chr7-50607686-G-A.
Other names: c.242C>T, p.Pro81Leu (NM_000790.4, NM_001242887.2, NM_001242889.2 and 1 more transcripts); c.201+3897C>T (NM_001242888.2); c.202-2009C>T (NM_001242886.2); short protein forms P81L.
Identifiers: ClinVar variation 1677221 (VCV001677221.2), dbSNP rs935725316, ClinGen allele CA158234091.